The following is an entry in ClinVar:

NM_000466.3(PEX1):c.2268A>G (p.Lys756=)

Gene: PEX1 (peroxisomal biogenesis factor 1; minus strand). Cytogenetic location: 7q21.2.
Variant type: single nucleotide variant.
Coding change: c.2268A>G on transcript NM_000466.3 (MANE Select); coding-DNA position 2268, A replaced by G.
Protein change: p.Lys756=; no amino-acid change (lysine 756 retained).
Molecular consequence: synonymous variant.
Genome position (GRCh38, 1-based): chr7:92,502,038, T>C on the plus strand (A>G on the coding strand, the complement: PEX1 is on the minus strand). VCF-style: chr7-92502038-T-C. GRCh37 (hg19) VCF-style: chr7-92131352-T-C.
Other names: c.2097A>G, p.Lys699= (NM_001282677.2); c.1644A>G, p.Lys548= (NM_001282678.2).
Identifiers: ClinVar variation 594917 (VCV000594917.17), dbSNP rs1434174453, ClinGen allele CA456482968.

ClinVar aggregate classification (germline): Conflicting classifications of pathogenicity. Review status: criteria provided, conflicting classifications (1 of 4 stars). 3 submissions from 3 submitters: Uncertain significance (1); Likely benign (1). 1 of the submissions does not count toward it. Last evaluated 2026-01-14.

Conditions:
PEX1-related disorder. Also called: PEX1-related condition.
Zellweger spectrum disorders (ZS). Also called: Zellweger Spectrum Disorder; Zellweger Spectrum; Zellweger Spectrum Disorder (ZSD); Zellweger syndrome. Identifiers: Orphanet 912, MedGen C0043459, MONDO:0019609.

Allele frequency attached by ClinVar (database versions not stated): gnomAD exomes below 0.00001; gnomAD 0.00002; TOPMed 0.00004.
gnomAD v4.1: 6 of 1,612,382 alleles (0.00037%); highest among the groups gnomAD compares: African/African-American, 0.004%; no homozygotes.

Submissions (3):

Labcorp Genetics (formerly Invitae), Labcorp
Classification: Likely benign for Zellweger spectrum disorders. Last evaluated: 2026-01-14. Review status: criteria provided, single submitter. Criteria: Invitae Variant Classification Sherloc (09022015). Collection method: clinical testing. Allele origin: germline.

Eurofins Ntd Llc (ga)
Classification: Uncertain significance. Last evaluated: 2017-11-09. Review status: criteria provided, single submitter. Criteria: EGL Classification Definitions 2015. Collection method: clinical testing. Allele origin: germline. Observed: 1 variant allele, 1 heterozygote.

PreventionGenetics, part of Exact Sciences
Classification: Likely benign for PEX1-related condition. Last evaluated: 2022-01-15. Review status: no assertion criteria provided. Collection method: clinical testing. Allele origin: germline. Not counted in ClinVar's aggregate classification.
Comment: This variant is classified as likely benign based on ACMG/AMP sequence variant interpretation guidelines (Richards et al. 2015 PMID: 25741868, with internal and published modifications).